The following is an entry in ClinVar:

NM_000085.5(CLCNKB):c.295T>C (p.Tyr99His)

Genes: CLCNKB (chloride voltage-gated channel Kb; plus strand), LOC106501713 (CLCNKB recombination region; plus strand). Cytogenetic location: 1p36.13.
Variant type: single nucleotide variant.
Coding change: c.295T>C on transcript NM_000085.5 (MANE Select); coding-DNA position 295, T replaced by C.
Protein change: p.Tyr99His; replaces tyrosine 99 with histidine.
Molecular consequence: missense variant.
Genome position (GRCh38, 1-based): chr1:16,046,600, T>C. VCF-style: chr1-16046600-T-C. GRCh37 (hg19) VCF-style: chr1-16373095-T-C.
Other names: short protein forms Y99H.
Identifiers: ClinVar variation 1431438 (VCV001431438.6), dbSNP rs779327388, ClinGen allele CA623260.
Genomic context (GRCh38, chr1:16,046,600, plus strand): 5'-CAGTGGCTGTACAGGGAGATTGGGGACAGCCACCTGCTCCGGTATCTCTCCTGGACTGTG[T>C]ACCCTGTGGCCCTCGTCTCTTTCTCTTCAGGCTTCTCTCAGAGCATCACACCCTCCTCTG-3'
Protein context (NP_000076.2, residues 89-109): HLLRYLSWTV[Tyr99His]PVALVSFSSG

ClinVar aggregate classification (germline): Uncertain significance. Review status: criteria provided, multiple submitters, no conflicts (2 of 4 stars). 2 submissions from 2 submitters: Uncertain significance (2). Last evaluated 2024-01-08.

Conditions:
Bartter disease type 4B. Also called: BARTTER SYNDROME, TYPE 4B; BARTTER SYNDROME, TYPE 4B, NEONATAL, WITH SENSORINEURAL DEAFNESS; Bartter syndrome, type 4b, digenic. Identifiers: Orphanet 112, MedGen C4310805, MONDO:0000909, OMIM 613090.
Bartter disease type 3. Also called: Bartter syndrome type 3. Identifiers: Orphanet 112, Orphanet 93605, MedGen C1846343, MONDO:0011822, OMIM 607364.

Allele frequency attached by ClinVar (database versions not stated): gnomAD 0.00001; ExAC 0.00002; gnomAD exomes 0.00002 and 0.00003; TOPMed 0.00006.
gnomAD v4.1: 13 of 1,614,038 alleles (0.00081%); highest among the groups gnomAD compares: Admixed American, 0.018%; no homozygotes.

Submissions (2):

Fulgent Genetics
Classification: Uncertain significance for Bartter disease type 3; Bartter disease type 4B. Last evaluated: 2024-01-08. Review status: criteria provided, single submitter. Criteria: ACMG Guidelines, 2015. Collection method: clinical testing. Allele origin: germline.

Labcorp Genetics (formerly Invitae), Labcorp
Classification: Uncertain significance. Last evaluated: 2022-10-05. Review status: criteria provided, single submitter. Criteria: Invitae Variant Classification Sherloc (09022015). Collection method: clinical testing. Allele origin: germline.
Comment: In summary, the available evidence is currently insufficient to determine the role of this variant in disease. Therefore, it has been classified as a Variant of Uncertain Significance. Algorithms developed to predict the effect of missense changes on protein structure and function (SIFT, PolyPhen-2, Align-GVGD) all suggest that this variant is likely to be disruptive. ClinVar contains an entry for this variant (Variation ID: 1431438). This missense change has been observed in individual(s) with Gitelman's syndrome (PMID: 24830959). This variant is present in population databases (rs779327388, gnomAD 0.02%). This sequence change replaces tyrosine, which is neutral and polar, with histidine, which is basic and polar, at codon 99 of the CLCNKB protein (p.Tyr99His).

Literature cited by the submitters: PubMed 24830959 (cited by Labcorp Genetics (formerly Invitae), Labcorp).